The following is an entry in ClinVar:

ClinVar aggregate classification (germline): Uncertain significance (1 of 4 stars; one submission).

Conditions:
Emery-Dreifuss muscular dystrophy 5, autosomal dominant (EDMD5). Also called: EMERY-DREIFUSS MUSCULAR DYSTROPHY 5. Identifiers: Orphanet 261, MedGen C2751805, MONDO:0013072, OMIM 612999.

Submission:

Labcorp Genetics (formerly Invitae), Labcorp
Classification: Uncertain significance for Emery-Dreifuss muscular dystrophy 5, autosomal dominant. Last evaluated: 2021-06-16. Review status: criteria provided, single submitter. Criteria: Invitae Variant Classification Sherloc (09022015). Collection method: clinical testing. Allele origin: germline.
Comment: This sequence change replaces glutamine with histidine at codon 3237 of the SYNE2 protein (p.Gln3237His). The glutamine residue is weakly conserved and there is a small physicochemical difference between glutamine and histidine. This variant is not present in population databases (ExAC no frequency). This variant has not been reported in the literature in individuals with SYNE2-related conditions. Algorithms developed to predict the effect of missense changes on protein structure and function output the following: SIFT: "Tolerated"; PolyPhen-2: "Benign"; Align-GVGD: "Class C0". The histidine amino acid residue is found in multiple mammalian species, suggesting that this missense change does not adversely affect protein function. These predictions have not been confirmed by published functional studies and their clinical significance is uncertain. In summary, the available evidence is currently insufficient to determine the role of this variant in disease. Therefore, it has been classified as a Variant of Uncertain Significance.

NM_182914.3(SYNE2):c.9711G>T (p.Gln3237His)

Gene: SYNE2 (spectrin repeat containing nuclear envelope protein 2; plus strand). Cytogenetic location: 14q23.2.
Variant type: single nucleotide variant.
Coding change: c.9711G>T on transcript NM_182914.3 (MANE Select); coding-DNA position 9711, G replaced by T.
Protein change: p.Gln3237His; replaces glutamine 3237 with histidine.
Molecular consequence: missense variant.
Genome position (GRCh38, 1-based): chr14:64,053,624, G>T. VCF-style: chr14-64053624-G-T. GRCh37 (hg19) VCF-style: chr14-64520342-G-T.
Other names: c.9711G>T, p.Gln3237His (NM_015180.6); short protein forms Q3237H.
Identifiers: ClinVar variation 1361741 (VCV001361741.8), dbSNP rs1406827932, ClinGen allele CA389982679.